The following is an entry in ClinVar:

NM_001003722.2(GLE1):c.2078C>T (p.Ser693Phe)

Genes: GLE1 (GLE1 RNA export mediator; plus strand), LOC101929270 (uncharacterized LOC101929270; minus strand). Cytogenetic location: 9q34.11.
Variant type: single nucleotide variant.
Coding change: c.2078C>T on transcript NM_001003722.2 (MANE Select); coding-DNA position 2078, C replaced by T.
Protein change: p.Ser693Phe; replaces serine 693 with phenylalanine.
Molecular consequence: missense variant.
Genome position (GRCh38, 1-based): chr9:128,541,151, C>T. VCF-style: chr9-128541151-C-T. GRCh37 (hg19) VCF-style: chr9-131303430-C-T.
Other names: short protein forms S693F.
Identifiers: ClinVar variation 619143 (VCV000619143.5), dbSNP rs1564162129, ClinGen allele CA375046418.

ClinVar aggregate classification (germline): Uncertain significance. Review status: criteria provided, single submitter (1 of 4 stars). 3 submissions from 3 submitters: Uncertain significance (1). 2 of the submissions do not count toward it. Last evaluated 2020-09-09.

Conditions:
Lethal arthrogryposis-anterior horn cell disease syndrome (CAAHD). Also called: CONGENITAL ARTHROGRYPOSIS WITH ANTERIOR HORN CELL DISEASE. Identifiers: Orphanet 53696, MedGen C5193016, MONDO:0012750, OMIM 611890.
Amyotrophic lateral sclerosis (ALS). Also called: Charcot disease; Lou Gehrig disease. Identifiers: Orphanet 803, MedGen C0002736, MONDO:0004976, HP:0007354.

gnomAD v4.1: 2 of 1,583,880 alleles (0.00013%); highest among the groups gnomAD compares: Non-Finnish European, 0.00017%; no homozygotes.

Submissions (3):

UM ALS/MND Lab, University Of Malta
Classification: Uncertain significance for Amyotrophic lateral sclerosis. Last evaluated: 2020-09-09. Review status: criteria provided, single submitter. Criteria: ACMG Guidelines, 2015. Collection method: case-control. Allele origin: unknown. Affected: yes. Observed: 1 variant allele.
Comment: Single heterozygote

OMIM
Classification: Pathogenic for CONGENITAL ARTHROGRYPOSIS WITH ANTERIOR HORN CELL DISEASE. Last evaluated: 2019-02-27. Review status: no assertion criteria provided. Collection method: literature only. Allele origin: germline. Not counted in ClinVar's aggregate classification.

University of Washington Center for Mendelian Genomics, University of Washington
Classification: Likely pathogenic for Congenital Arthrogryposis with Anterior Horn Cell Disease. Review status: no assertion criteria provided. Collection method: research. Allele origin: de novo. Affected: yes. Not counted in ClinVar's aggregate classification.

Literature cited by the submitters: PubMed 28884921 (cited by OMIM and University of Washington Center for Mendelian Genomics, University of Washington).